The following is an entry in ClinVar:

NM_001127208.3(TET2):c.2135C>A (p.Pro712Gln)

Genes: TET2 (tet methylcytosine dioxygenase 2; plus strand), TET2-AS1 (TET2 antisense RNA 1; minus strand). Cytogenetic location: 4q24.
Variant type: single nucleotide variant.
Coding change: c.2135C>A on transcript NM_001127208.3 (MANE Select); coding-DNA position 2135, C replaced by A.
Protein change: p.Pro712Gln; replaces proline 712 with glutamine.
Molecular consequence: missense variant.
Genome position (GRCh38, 1-based): chr4:105,236,077, C>A. VCF-style: chr4-105236077-C-A. GRCh37 (hg19) VCF-style: chr4-106157234-C-A.
Other names: c.2135C>A, p.Pro712Gln (NM_017628.4); short protein forms P712Q.
Identifiers: ClinVar variation 4865604 (VCV004865604.1).

ClinVar aggregate classification (germline): Uncertain significance (1 of 4 stars; one submission).

Submission:

Ambry Genetics
Classification: Uncertain significance. Last evaluated: 2026-06-08. Review status: criteria provided, single submitter. Criteria: Ambry Variant Classification Scheme 2023. Collection method: clinical testing. Allele origin: germline.
Comment: The p.P712Q variant (also known as c.2135C>A), located in coding exon 1 of the TET2 gene, results from a C to A substitution at nucleotide position 2135. The proline at codon 712 is replaced by glutamine, an amino acid with similar properties. This amino acid position is conserved. In addition, this alteration is predicted to be tolerated by in silico analysis. Based on the available evidence, the clinical significance of this variant remains unclear.